The following is an entry in ClinVar:

ClinVar aggregate classification (germline): Likely benign (0 of 4 stars; one submission).

Conditions:
DNAH6-related disorder. Also called: DNAH6-related condition.

Allele frequency attached by ClinVar (database versions not stated): gnomAD exomes 0.00010; gnomAD 0.00019; TOPMed 0.00023; 1000 Genomes Project 30x 0.00031; 1000 Genomes Project 0.00040.
gnomAD v4.1: 170 of 1,547,792 alleles (0.011%); highest among the groups gnomAD compares: East Asian, 0.36%; no homozygotes.

Submission:

PreventionGenetics, part of Exact Sciences
Classification: Likely benign for DNAH6-related condition. Last evaluated: 2019-04-09. Review status: no assertion criteria provided. Collection method: clinical testing. Allele origin: germline.
Comment: This variant is classified as likely benign based on ACMG/AMP sequence variant interpretation guidelines (Richards et al. 2015 PMID: 25741868, with internal and published modifications).

NM_001370.2(DNAH6):c.4497A>G (p.Ser1499=)

Gene: DNAH6 (dynein axonemal heavy chain 6; plus strand). Cytogenetic location: 2p11.2.
Variant type: single nucleotide variant.
Coding change: c.4497A>G on transcript NM_001370.2 (MANE Select); coding-DNA position 4497, A replaced by G.
Protein change: p.Ser1499=; no amino-acid change (serine 1499 retained).
Molecular consequence: synonymous variant.
Genome position (GRCh38, 1-based): chr2:84,625,045, A>G. VCF-style: chr2-84625045-A-G. GRCh37 (hg19) VCF-style: chr2-84852169-A-G.
Identifiers: ClinVar variation 3039799 (VCV003039799.2), dbSNP rs186168135, ClinGen allele CA51661091.